The following is an entry in ClinVar:

ClinVar aggregate classification (germline): Uncertain significance (1 of 4 stars; one submission).

Conditions:
Autosomal recessive limb-girdle muscular dystrophy type 2C (LGMDR5). Also called: MUSCULAR DYSTROPHY, LIMB-GIRDLE, AUTOSOMAL RECESSIVE 5; MUSCULAR DYSTROPHY, DUCHENNE-LIKE. Identifiers: Orphanet 353, MedGen C0410173, MONDO:0009677, OMIM 253700. Disease mechanism: Affects gamma-sarcoglycan and also disrupts the integrity of the entire sarcoglycan complex..

gnomAD v4.1: 1 of 1,612,164 alleles (0.000062%); highest among the groups gnomAD compares: African/African-American, 0.0013%; no homozygotes.

Submission:

Myriad Genetics, Inc.
Classification: Uncertain significance for Autosomal recessive limb-girdle muscular dystrophy type 2C. Last evaluated: 2026-08-14. Review status: criteria provided, single submitter. Criteria: Myriad Autosomal Dominant, Autosomal Recessive and X-Linked Classification Criteria (2023). Collection method: clinical testing. Allele origin: unknown.
Comment: NM_000231.2(SGCG):c.649A>G(K217E) is a missense variant classified as a variant of uncertain significance in the context of gamma-sarcoglycanopathy. K217E has been observed in a case with relevant disease (PMID: 39678382). Relevant functional assessments of this variant are not available in the literature. K217E has not been observed in referenced population frequency databases. In summary, there is insufficient evidence to classify NM_000231.2(SGCG):c.649A>G(K217E) as pathogenic or benign. Please note: this variant was assessed in the context of healthy population screening.

Literature cited by the submitters: PubMed 39678382.

NM_000231.3(SGCG):c.649A>G (p.Lys217Glu)

Gene: SGCG (sarcoglycan gamma; plus strand). Cytogenetic location: 13q12.12.
Variant type: single nucleotide variant.
Coding change: c.649A>G on transcript NM_000231.3 (MANE Select); coding-DNA position 649, A replaced by G.
Protein change: p.Lys217Glu; replaces lysine 217 with glutamic acid.
Molecular consequence: missense variant.
Genome position (GRCh38, 1-based): chr13:23,320,707, A>G. VCF-style: chr13-23320707-A-G. GRCh37 (hg19) VCF-style: chr13-23894846-A-G.
Other names: c.703A>G, p.Lys235Glu (NM_001378244.1); c.649A>G, p.Lys217Glu (NM_001378245.1, NM_001378246.1); short protein forms K217E, K235E.
Identifiers: ClinVar variation 5003337 (VCV005003337.1).
Genomic context (GRCh38, chr13:23,320,707, plus strand): 5'-CCCACTCGGAGTCTAAGCATGGATGCCCCAAGGGGTGTGCATATTCAAGCTCACGCTGGG[A>G]AAATTGAGGCGCTTTCTCAAATGGATATTCTTTTTCATAGTAGTGATGGAATGGTGAGTT-3'
Protein context (NP_000222.2, residues 207-227): RGVHIQAHAG[Lys217Glu]IEALSQMDIL